The following is an entry in ClinVar:

ClinVar aggregate classification (germline): Benign (1 of 4 stars; one submission).

Conditions:
Growth delay due to insulin-like growth factor I resistance. Also called: Somatomedin end-organ insensitivity to; Somatomedin-c resistance to; IGF-1 resistance; IGF-I RESISTANCE; Insulin-Like Growth Factor I Resistance. Identifiers: Orphanet 73273, MedGen C1849157, MONDO:0010038, OMIM 270450.

Allele frequency attached by ClinVar (database versions not stated): gnomAD exomes 0.00194; gnomAD 0.00942 and 0.00992; TOPMed 0.01070; 1000 Genomes Project 0.01118; 1000 Genomes Project 30x 0.01234.
gnomAD v4.1: 1,582 of 233,770 alleles (0.68%); highest among the groups gnomAD compares: African/African-American, 3.1%; 19 homozygotes.

Submission:

Illumina Laboratory Services, Illumina
Classification: Benign for Growth delay due to insulin-like growth factor I resistance. Last evaluated: 2018-01-12. Review status: criteria provided, single submitter. Criteria: ICSL Variant Classification Criteria 13 December 2019. Collection method: clinical testing. Allele origin: germline.
Comment: This variant was observed in the ICSL laboratory as part of a predisposition screen in an ostensibly healthy population. It had not been previously curated by ICSL or reported in the Human Gene Mutation Database (HGMD: prior to June 1st, 2018), and was therefore a candidate for classification through an automated scoring system. Utilizing variant allele frequency, disease prevalence and penetrance estimates, and inheritance mode, an automated score was calculated to assess if this variant is too frequent to cause the disease. Based on the score and internal cut-off values, a variant classified as benign is not then subjected to further curation. The score for this variant resulted in a classification of benign for this disease.

NM_000875.5(IGF1R):c.*5146G>A

Gene: IGF1R (insulin like growth factor 1 receptor; plus strand). Cytogenetic location: 15q26.3.
Variant type: single nucleotide variant.
Coding change: c.*5146G>A on transcript NM_000875.5 (MANE Select); 5146 bases downstream of the stop codon, G replaced by A.
Molecular consequence: 3 prime UTR variant.
Genome position (GRCh38, 1-based): chr15:98,962,588, G>A. VCF-style: chr15-98962588-G-A. GRCh37 (hg19) VCF-style: chr15-99505817-G-A.
Other names: c.*5146G>A (NM_001291858.2).
Identifiers: ClinVar variation 317598 (VCV000317598.5), dbSNP rs78982292, ClinGen allele CA10646790.